The following is an entry in ClinVar:

ClinVar aggregate classification (germline): Benign (1 of 4 stars; one submission).

Allele frequency attached by ClinVar (database versions not stated): 1000 Genomes Project 30x 0.07105; 1000 Genomes Project 0.07408; TOPMed 0.08349; gnomAD 0.08707 and 0.08766.
gnomAD v4.1: 13,383 of 152,208 alleles (8.8%); highest among the groups gnomAD compares: South Asian, 14%; 671 homozygotes.

Submissions (15):

GeneDx
Classification: Benign. Last evaluated: 2018-06-14. Review status: criteria provided, single submitter. Criteria: GeneDx Variant Classification (06012015). Collection method: clinical testing. Allele origin: germline. Affected: yes.
Comment: This variant is considered likely benign or benign based on one or more of the following criteria: it is a conservative change, it occurs at a poorly conserved position in the protein, it is predicted to be benign by multiple in silico algorithms, and/or has population frequency not consistent with disease.

Dr. Peter K. Rogan Lab, Western University
No classification provided (evidence only). Condition: Acute myeloid leukemia. Review status: no classification provided. Collection method: in vitro. Allele origin: not applicable. Functional consequence: retained intron. Not counted in ClinVar's aggregate classification.

Dr. Peter K. Rogan Lab, Western University
No classification provided (evidence only). Condition: Acute myeloid leukemia. Review status: no classification provided. Collection method: in vitro. Allele origin: not applicable. Functional consequence: retained intron. Not counted in ClinVar's aggregate classification.

Dr. Peter K. Rogan Lab, Western University
No classification provided (evidence only). Condition: Uterine corpus endometrial carcinoma. Review status: no classification provided. Collection method: in vitro. Allele origin: not applicable. Functional consequence: retained intron. Not counted in ClinVar's aggregate classification.

Dr. Peter K. Rogan Lab, Western University
No classification provided (evidence only). Condition: Uterine corpus endometrial carcinoma. Review status: no classification provided. Collection method: in vitro. Allele origin: not applicable. Functional consequence: retained intron. Not counted in ClinVar's aggregate classification.

Dr. Peter K. Rogan Lab, Western University
No classification provided (evidence only). Condition: Cervical cancer. Review status: no classification provided. Collection method: in vitro. Allele origin: not applicable. Functional consequence: retained intron. Not counted in ClinVar's aggregate classification.

Dr. Peter K. Rogan Lab, Western University
No classification provided (evidence only). Condition: Sarcoma. Review status: no classification provided. Collection method: in vitro. Allele origin: not applicable. Functional consequence: retained intron. Not counted in ClinVar's aggregate classification.

Dr. Peter K. Rogan Lab, Western University
No classification provided (evidence only). Condition: Sarcoma. Review status: no classification provided. Collection method: in vitro. Allele origin: not applicable. Functional consequence: skipped exon, retained intron. Not counted in ClinVar's aggregate classification.

Dr. Peter K. Rogan Lab, Western University
No classification provided (evidence only). Condition: Thymoma. Review status: no classification provided. Collection method: in vitro. Allele origin: not applicable. Functional consequence: retained intron. Not counted in ClinVar's aggregate classification.

Dr. Peter K. Rogan Lab, Western University
No classification provided (evidence only). Condition: Gastric cancer. Review status: no classification provided. Collection method: in vitro. Allele origin: not applicable. Functional consequence: retained intron. Not counted in ClinVar's aggregate classification.

Dr. Peter K. Rogan Lab, Western University
No classification provided (evidence only). Condition: Gastric cancer. Review status: no classification provided. Collection method: in vitro. Allele origin: not applicable. Functional consequence: retained intron. Not counted in ClinVar's aggregate classification.

Dr. Peter K. Rogan Lab, Western University
No classification provided (evidence only). Condition: Uterine carcinosarcoma. Review status: no classification provided. Collection method: in vitro. Allele origin: not applicable. Functional consequence: retained intron. Not counted in ClinVar's aggregate classification.

Dr. Peter K. Rogan Lab, Western University
No classification provided (evidence only). Condition: Uterine carcinosarcoma. Review status: no classification provided. Collection method: in vitro. Allele origin: not applicable. Functional consequence: skipped exon. Not counted in ClinVar's aggregate classification.

Dr. Peter K. Rogan Lab, Western University
No classification provided (evidence only). Condition: Malignant tumor of esophagus. Review status: no classification provided. Collection method: in vitro. Allele origin: not applicable. Functional consequence: retained intron. Not counted in ClinVar's aggregate classification.

Dr. Peter K. Rogan Lab, Western University
No classification provided (evidence only). Condition: Malignant tumor of esophagus. Review status: no classification provided. Collection method: in vitro. Allele origin: not applicable. Functional consequence: retained intron. Not counted in ClinVar's aggregate classification.

NM_133259.4(LRPPRC):c.3826-208A>G

Gene: LRPPRC (leucine rich pentatricopeptide repeat containing; minus strand). Cytogenetic location: 2p21.
Variant type: single nucleotide variant.
Coding change: c.3826-208A>G on transcript NM_133259.4 (MANE Select); 208 bases into the intron before coding-DNA position 3826, A replaced by G.
Molecular consequence: intron variant.
Genome position (GRCh38, 1-based): chr2:43,896,916, T>C on the plus strand (A>G on the coding strand, the complement: LRPPRC is on the minus strand). VCF-style: chr2-43896916-T-C. GRCh37 (hg19) VCF-style: chr2-44124055-T-C.
Other names: NC_000002.11:g.44124055T>C.
Identifiers: ClinVar variation 684328 (VCV000684328.2), dbSNP rs10495910, ClinGen allele CA46504280.
Genomic context (GRCh38, chr2:43,896,916, plus strand): 5'-GCAAGAAAAAAGAAAACAAGTGCAAGCTATGCCAAGCTTTGGTGAATGCTGTCCTTGGCA[T>C]TGCAAGTATAAAGTTTGTTTAAAAAGAAAAGGGAAAAATTAAACTAATGCTTCAACAACC-3'